The following is an entry in ClinVar:

NM_002439.5(MSH3):c.424T>C (p.Cys142Arg)

Gene: MSH3 (mutS homolog 3; plus strand). Cytogenetic location: 5q14.1.
Variant type: single nucleotide variant.
Coding change: c.424T>C on transcript NM_002439.5 (MANE Select); coding-DNA position 424, T replaced by C.
Protein change: p.Cys142Arg; replaces cysteine 142 with arginine.
Molecular consequence: missense variant.
Genome position (GRCh38, 1-based): chr5:80,665,208, T>C. VCF-style: chr5-80665208-T-C. GRCh37 (hg19) VCF-style: chr5-79961027-T-C.
Other names: short protein forms C142R.
Identifiers: ClinVar variation 838532 (VCV000838532.9), dbSNP rs1749541551, ClinGen allele CA360263327.
Genomic context (GRCh38, chr5:80,665,208, plus strand): 5'-AAGAAATGTCTGAGGACCAGGAATGTTTCAAAGTCTCTGGAAAAATTGAAAGAATTCTGC[T>C]GCGATTCTGCCCTTCCTCAAAGTAGAGTCCAGACAGAATCTCTGCAGGAGAGATTTGCAG-3'
Protein context (NP_002430.3, residues 132-152): KSLEKLKEFC[Cys142Arg]DSALPQSRVQ

ClinVar aggregate classification (germline): Uncertain significance (1 of 4 stars; one submission).

Submission:

Labcorp Genetics (formerly Invitae), Labcorp
Classification: Uncertain significance. Last evaluated: 2022-07-11. Review status: criteria provided, single submitter. Criteria: Invitae Variant Classification Sherloc (09022015). Collection method: clinical testing. Allele origin: germline.
Comment: In summary, the available evidence is currently insufficient to determine the role of this variant in disease. Therefore, it has been classified as a Variant of Uncertain Significance. Algorithms developed to predict the effect of missense changes on protein structure and function are either unavailable or do not agree on the potential impact of this missense change (SIFT: "Deleterious"; PolyPhen-2: "Benign"; Align-GVGD: "Class C0"). ClinVar contains an entry for this variant (Variation ID: 838532). This variant has not been reported in the literature in individuals affected with MSH3-related conditions. This variant is not present in population databases (gnomAD no frequency). This sequence change replaces cysteine, which is neutral and slightly polar, with arginine, which is basic and polar, at codon 142 of the MSH3 protein (p.Cys142Arg).